The following is an entry in ClinVar:

ClinVar aggregate classification (germline): Conflicting classifications of pathogenicity. Review status: criteria provided, conflicting classifications (1 of 4 stars). 2 submissions from 2 submitters: Likely pathogenic (1); Uncertain significance (1). Last evaluated 2026-03-09.

Allele frequency attached by ClinVar (database versions not stated): gnomAD exomes below 0.00001 and 0.00002; TOPMed 0.00002; gnomAD 0.00003.
gnomAD v4.1: 37 of 1,614,024 alleles (0.0023%); highest among the groups gnomAD compares: African/African-American, 0.004%; no homozygotes.

Submissions (2):

Women's Health and Genetics/Laboratory Corporation of America, LabCorp
Classification: Uncertain significance. Last evaluated: 2026-03-09. Review status: criteria provided, single submitter. Criteria: LabCorp Variant Classification Summary - May 2015. Collection method: clinical testing. Allele origin: germline.
Comment: Variant summary: LAMA1 c.8557-7G>A alters a nucleotide located at a position not widely known to affect splicing. Several computational tools predict a significant impact on normal splicing: Four predict the variant abolishes or weakens a 3' acceptor site and four predict the variant creates an upstream 3' acceptor site. However, these predictions have yet to be confirmed by functional studies. The variant allele was found at a frequency of 4e-06 in 251368 control chromosomes. The available data on variant occurrences in the general population are insufficient to allow any conclusion about variant significance. To our knowledge, no occurrence of c.8557-7G>A in individuals affected with LAMA1-related conditions and no experimental evidence demonstrating its impact on protein function have been reported. ClinVar contains an entry for this variant (Variation ID: 1341601). Based on the evidence outlined above, the variant was classified as uncertain significance.

GeneDx
Classification: Likely pathogenic. Last evaluated: 2025-09-15. Review status: criteria provided, single submitter. Criteria: GeneDx Variant Classification Process June 2021. Collection method: clinical testing. Allele origin: germline. Affected: yes.
Comment: Has not been previously published as pathogenic or benign to our knowledge; In silico analysis supports a deleterious effect on splicing; Not observed at significant frequency in large population cohorts (gnomAD)

NM_005559.4(LAMA1):c.8557-7G>A

Gene: LAMA1 (laminin subunit alpha 1; minus strand). Cytogenetic location: 18p11.31.
Variant type: single nucleotide variant.
Coding change: c.8557-7G>A on transcript NM_005559.4 (MANE Select); 7 bases into the intron before coding-DNA position 8557, G replaced by A.
Molecular consequence: intron variant.
Genome position (GRCh38, 1-based): chr18:6,948,563, C>T on the plus strand (G>A on the coding strand, the complement: LAMA1 is on the minus strand). VCF-style: chr18-6948563-C-T. GRCh37 (hg19) VCF-style: chr18-6948562-C-T.
Identifiers: ClinVar variation 1341601 (VCV001341601.4), dbSNP rs1190465913, ClinGen allele CA628130533.